The following is an entry in ClinVar:

NM_020821.3(VPS13C):c.4462A>G (p.Lys1488Glu)

Gene: VPS13C (vacuolar protein sorting 13 homolog C; minus strand). Cytogenetic location: 15q22.2.
Variant type: single nucleotide variant.
Coding change: c.4462A>G on transcript NM_020821.3 (MANE Select); coding-DNA position 4462, A replaced by G.
Protein change: p.Lys1488Glu; replaces lysine 1488 with glutamic acid.
Molecular consequence: missense variant.
Genome position (GRCh38, 1-based): chr15:61,951,019, T>C on the plus strand (A>G on the coding strand, the complement: VPS13C is on the minus strand). VCF-style: chr15-61951019-T-C. GRCh37 (hg19) VCF-style: chr15-62243218-T-C.
Other names: c.4462A>G, p.Lys1488Glu (NM_001018088.3); c.4333A>G, p.Lys1445Glu (NM_017684.5, NM_018080.4); short protein forms K1445E, K1488E.
Identifiers: ClinVar variation 1973128 (VCV001973128.4), dbSNP rs377295139, ClinGen allele CA7596091.

ClinVar aggregate classification (germline): Uncertain significance (1 of 4 stars; one submission).

Allele frequency attached by ClinVar (database versions not stated): TOPMed below 0.00001; ExAC 0.00001; gnomAD 0.00001; ESP Exome Variant Server 0.00008.
gnomAD v4.1: 29 of 1,589,798 alleles (0.0018%); highest among the groups gnomAD compares: Middle Eastern, 0.087%; no homozygotes.

Submission:

Labcorp Genetics (formerly Invitae), Labcorp
Classification: Uncertain significance. Last evaluated: 2022-08-21. Review status: criteria provided, single submitter. Criteria: Invitae Variant Classification Sherloc (09022015). Collection method: clinical testing. Allele origin: germline.
Comment: This variant has not been reported in the literature in individuals affected with VPS13C-related conditions. Algorithms developed to predict the effect of missense changes on protein structure and function output the following: SIFT: "Tolerated"; PolyPhen-2: "Benign"; Align-GVGD: "Class C0". The glutamic acid amino acid residue is found in multiple mammalian species, which suggests that this missense change does not adversely affect protein function. In summary, the available evidence is currently insufficient to determine the role of this variant in disease. Therefore, it has been classified as a Variant of Uncertain Significance. The frequency data for this variant in the population databases is considered unreliable, as metrics indicate poor data quality at this position in the gnomAD database. This sequence change replaces lysine, which is basic and polar, with glutamic acid, which is acidic and polar, at codon 1488 of the VPS13C protein (p.Lys1488Glu).